The following is an entry in ClinVar:

NM_144997.7(FLCN):c.169C>T (p.Arg57Trp)

Gene: FLCN (folliculin; minus strand). Cytogenetic location: 17p11.2.
Variant type: single nucleotide variant.
Coding change: c.169C>T on transcript NM_144997.7 (MANE Select); coding-DNA position 169, C replaced by T.
Protein change: p.Arg57Trp; replaces arginine 57 with tryptophan.
Molecular consequence: missense variant.
Genome position (GRCh38, 1-based): chr17:17,227,969, G>A on the plus strand (C>T on the coding strand, the complement: FLCN is on the minus strand). VCF-style: chr17-17227969-G-A. GRCh37 (hg19) VCF-style: chr17-17131283-G-A.
Other names: c.169C>T (LRG_325t1); c.169C>T, p.Arg57Trp (NM_001353229.2, NM_001353230.2, NM_001353231.2 and 1 more transcripts); short protein forms R57W.
Identifiers: ClinVar variation 576689 (VCV000576689.22), dbSNP rs746507528, ClinGen allele CA8416510.

ClinVar aggregate classification (germline): Conflicting classifications of pathogenicity. Review status: criteria provided, conflicting classifications (1 of 4 stars). 4 submissions from 4 submitters: Uncertain significance (3); Likely benign (1). Last evaluated 2026-01-17.

Conditions:
Birt-Hogg-Dube syndrome. Also called: Birt Hogg Dubé syndrome. Identifiers: Orphanet 122, MedGen C0346010, MONDO:0800444.
Hereditary cancer-predisposing syndrome. Also called: Hereditary neoplastic syndrome; Tumor predisposition; Hereditary Cancer Syndrome; Neoplastic Syndromes, Hereditary. Identifiers: Orphanet 140162, MedGen C0027672, MeSH D009386, MONDO:0015356.

Allele frequency attached by ClinVar (database versions not stated): gnomAD 0.00001 and 0.00002; gnomAD exomes 0.00001 and 0.00002; ExAC 0.00002; TOPMed 0.00002.
gnomAD v4.1: 33 of 1,614,044 alleles (0.002%); highest among the groups gnomAD compares: Non-Finnish European, 0.0025%; no homozygotes.

Submissions (4):

Labcorp Genetics (formerly Invitae), Labcorp
Classification: Uncertain significance for Birt-Hogg-Dube syndrome. Last evaluated: 2026-01-17. Review status: criteria provided, single submitter. Criteria: Invitae Variant Classification Sherloc (09022015). Collection method: clinical testing. Allele origin: germline.
Comment: This sequence change replaces arginine, which is basic and polar, with tryptophan, which is neutral and slightly polar, at codon 57 of the FLCN protein (p.Arg57Trp). This variant is present in population databases (rs746507528, gnomAD 0.003%). This variant has not been reported in the literature in individuals affected with FLCN-related conditions. ClinVar contains an entry for this variant (Variation ID: 576689). An algorithm developed to predict the effect of missense changes on protein structure and function (PolyPhen-2) suggests that this variant is likely to be tolerated. In summary, the available evidence is currently insufficient to determine the role of this variant in disease. Therefore, it has been classified as a Variant of Uncertain Significance.

Center for Genomic Medicine, Rigshospitalet, Copenhagen University Hospital
Classification: Uncertain significance. Last evaluated: 2025-12-29. Review status: criteria provided, single submitter. Criteria: ACMG Guidelines, 2015. Collection method: clinical testing. Allele origin: germline.

GeneDx
Classification: Uncertain significance. Last evaluated: 2023-09-14. Review status: criteria provided, single submitter. Criteria: GeneDx Variant Classification Process June 2021. Collection method: clinical testing. Allele origin: germline. Affected: yes.
Comment: Not observed at significant frequency in large population cohorts (gnomAD); In silico analysis supports that this missense variant has a deleterious effect on protein structure/function; Has not been previously published as pathogenic or benign to our knowledge

Ambry Genetics
Classification: Likely benign for Hereditary cancer-predisposing syndrome. Last evaluated: 2022-02-22. Review status: criteria provided, single submitter. Criteria: Ambry Variant Classification Scheme 2023. Collection method: clinical testing. Allele origin: germline.